The following is an entry in ClinVar:

NC_000006.11:g.(?_75858054)_(75912508_?)dup

Gene: COL12A1 (collagen type XII alpha 1 chain; minus strand). Cytogenetic location: 6q13-14.1.
Variant type: Duplication.
Identifiers: ClinVar variation 2425088 (VCV002425088.5).

ClinVar aggregate classification (germline): Uncertain significance (1 of 4 stars; one submission).

Conditions:
Ullrich congenital muscular dystrophy 2 (UCMD2). Identifiers: Orphanet 75840, MedGen C4225314, MONDO:0014654, OMIM 616470.
Bethlem myopathy 2 (BTHLM2). Identifiers: Orphanet 536516, Orphanet 610, MedGen C4225313, MONDO:0034022, OMIM 616471.

Submission:

Labcorp Genetics (formerly Invitae), Labcorp
Classification: Uncertain significance for Bethlem myopathy 2; Ullrich congenital muscular dystrophy 2. Last evaluated: 2022-10-12. Review status: criteria provided, single submitter. Criteria: Invitae Variant Classification Sherloc (09022015). Collection method: clinical testing. Allele origin: germline.
Comment: In summary, the available evidence is currently insufficient to determine the role of this variant in disease. Therefore, it has been classified as a Variant of Uncertain Significance. This variant has not been reported in the literature in individuals affected with COL12A1-related conditions. This variant results in a copy number gain of the genomic region encompassing exon(s) 2-22 of the COL12A1 gene. This region includes the initiator codon of the gene. This copy number gain extends beyond the assayed region for this gene and therefore may encompass additional genes. As the precise location of this event is unknown, it may be in tandem or it may be located elsewhere in the genome.